The following is an entry in ClinVar:

NC_000001.10:g.(?_24172205)_(24172683_?)dup

Gene: FUCA1 (alpha-L-fucosidase 1; minus strand). Cytogenetic location: 1p36.11.
Variant type: Duplication.
Identifiers: ClinVar variation 1372279 (VCV001372279.5).

ClinVar aggregate classification (germline): Uncertain significance (1 of 4 stars; one submission).

Conditions:
Fucosidosis. Also called: ALPHA-L-FUCOSIDASE DEFICIENCY. Identifiers: Orphanet 349, MedGen C0016788, MONDO:0009254, OMIM 230000.

Submission:

Labcorp Genetics (formerly Invitae), Labcorp
Classification: Uncertain significance for Fucosidosis. Last evaluated: 2022-10-21. Review status: criteria provided, single submitter. Criteria: Invitae Variant Classification Sherloc (09022015). Collection method: clinical testing. Allele origin: germline.
Comment: In summary, the available evidence is currently insufficient to determine the role of this variant in disease. Therefore, it has been classified as a Variant of Uncertain Significance. Experimental studies and prediction algorithms are not available or were not evaluated, and the functional significance of this variant is currently unknown. This variant has not been reported in the literature in individuals affected with FUCA1-related conditions. This variant results in a copy number gain of the genomic region encompassing exon(s) 7-8 of the FUCA1 gene. This region includes the termination codon of the gene. This copy number gain extends beyond the assayed region for this gene and therefore may encompass additional genes. As the precise location of this event is unknown, it may be in tandem or it may be located elsewhere in the genome.